The following is an entry in ClinVar:

NM_152564.5(VPS13B):c.9760G>T (p.Val3254Phe)

Gene: VPS13B (vacuolar protein sorting 13 homolog B; plus strand). Cytogenetic location: 8q22.2.
Variant type: single nucleotide variant.
Coding change: c.9760G>T on transcript NM_152564.5 (MANE Select); coding-DNA position 9760, G replaced by T.
Protein change: p.Val3254Phe; replaces valine 3254 with phenylalanine.
Molecular consequence: missense variant.
Genome position (GRCh38, 1-based): chr8:99,835,556, G>T. VCF-style: chr8-99835556-G-T. GRCh37 (hg19) VCF-style: chr8-100847784-G-T.
Other names: c.9835G>T, p.Val3279Phe (NM_017890.5); short protein forms V3254F, V3279F.
Identifiers: ClinVar variation 3354370 (VCV003354370.1).

ClinVar aggregate classification (germline): Uncertain significance (0 of 4 stars; one submission).

Conditions:
VPS13B-related disorder. Also called: VPS13B-related condition.

gnomAD v4.1: 9 of 1,614,072 alleles (0.00056%); highest among the groups gnomAD compares: South Asian, 0.0099%; no homozygotes.

Submission:

PreventionGenetics, part of Exact Sciences
Classification: Uncertain significance for VPS13B-related condition. Last evaluated: 2024-06-21. Review status: no assertion criteria provided. Collection method: clinical testing. Allele origin: germline.
Comment: The VPS13B c.9760G>T variant is predicted to result in the amino acid substitution p.Val3254Phe. To our knowledge, this variant has not been reported in the literature. This variant is reported in 0.0065% of alleles in individuals of South Asian descent in gnomAD. At this time, the clinical significance of this variant is uncertain due to the absence of conclusive functional and genetic evidence.